The following is an entry in ClinVar:

ClinVar aggregate classification (germline): Uncertain significance (1 of 4 stars; one submission).

Submission:

Greenwood Genetic Center Diagnostic Laboratories, Greenwood Genetic Center
Classification: Uncertain significance. Last evaluated: 2022-08-29. Review status: criteria provided, single submitter. Criteria: ACMG Guidelines, 2015. Collection method: clinical testing. Allele origin: germline. Affected: yes.
Comment: PM2

NM_001004127.3(ALG11):c.1302_1305dup (p.Gly436fs)

Genes: ALG11 (ALG11 alpha-1,2-mannosyltransferase; plus strand), UTP14C (UTP14C small subunit processome component; plus strand). Cytogenetic location: 13q14.3.
Variant type: Duplication.
Coding change: c.1302_1305dup on transcript NM_001004127.3 (MANE Select); coding-DNA positions 1302 to 1305, 4 bases duplicated (AACT; older notation c.1302_1305dupAACT).
Protein change: p.Gly436fs; shifts the reading frame from glycine 436.
Molecular consequence: frameshift variant. On other transcripts: non-coding transcript variant (1), 5 prime UTR variant (1).
Genome position (GRCh38, 1-based): chr13:52,028,413-52,028,416, AACT duplicated; duplicating any 4 consecutive bases within chr13:52,028,412-52,028,416 gives the same sequence; the c. name uses the placement nearest the transcript's 3' end. VCF-style (leftmost placement, unchanged base first): chr13-52028411-A-ATAAC. GRCh37 (hg19) VCF-style: chr13-52602547-A-ATAAC.
Other names: c.-392_-389dup (NM_021645.6); short protein forms G436fs.
Identifiers: ClinVar variation 1710379 (VCV001710379.3), dbSNP rs1395594314, ClinGen allele CA698962855.